The following is an entry in ClinVar:

ClinVar aggregate classification (germline): Uncertain significance (1 of 4 stars; one submission).

Conditions:
Ehlers-Danlos syndrome, classic type, 1 (EDSCL1). Also called: EHLERS-DANLOS SYNDROME, GRAVIS TYPE; EHLERS-DANLOS SYNDROME, SEVERE CLASSIC TYPE; Ehlers-Danlos syndrome, type 1; Ehlers-Danlos Syndrome, Classic Type, COL5A1-Related; EDS I. Identifiers: MedGen C0268335, MONDO:0019567, OMIM 130000.
Osteogenesis imperfecta type I (OI1). Also called: OI, TYPE I; OSTEOGENESIS IMPERFECTA TARDA; OSTEOGENESIS IMPERFECTA WITH BLUE SCLERAE; Osteogenesis imperfecta type 1; Lobstein's Disease; Lobstein disease. Identifiers: Orphanet 216796, Orphanet 666, MedGen C0023931, MONDO:0008146, OMIM 166200. Disease mechanism: loss of function.

gnomAD v4.1: 3 of 1,594,510 alleles (0.00019%); highest among the groups gnomAD compares: Admixed American, 0.0052%; no homozygotes.

Submission:

Labcorp Genetics (formerly Invitae), Labcorp
Classification: Uncertain significance for Osteogenesis imperfecta type I; Ehlers-Danlos syndrome, classic type, 1. Last evaluated: 2025-08-18. Review status: criteria provided, single submitter. Criteria: Invitae Variant Classification Sherloc (09022015). Collection method: clinical testing. Allele origin: germline.
Comment: This sequence change replaces proline, which is neutral and non-polar, with arginine, which is basic and polar, at codon 441 of the COL1A2 protein (p.Pro441Arg). This variant is present in population databases (rs752703563, gnomAD 0.01%). This variant has not been reported in the literature in individuals affected with COL1A2-related conditions. ClinVar contains an entry for this variant (Variation ID: 3762501). Invitae Evidence Modeling of protein sequence and biophysical properties (such as structural, functional, and spatial information, amino acid conservation, physicochemical variation, residue mobility, and thermodynamic stability) indicates that this missense variant is not expected to disrupt COL1A2 protein function with a negative predictive value of 80%. In summary, the available evidence is currently insufficient to determine the role of this variant in disease. Therefore, it has been classified as a Variant of Uncertain Significance.

NM_000089.4(COL1A2):c.1322C>G (p.Pro441Arg)

Gene: COL1A2 (collagen type I alpha 2 chain; plus strand). Cytogenetic location: 7q21.3.
Variant type: single nucleotide variant.
Coding change: c.1322C>G on transcript NM_000089.4 (MANE Select); coding-DNA position 1322, C replaced by G.
Protein change: p.Pro441Arg; replaces proline 441 with arginine.
Molecular consequence: missense variant.
Genome position (GRCh38, 1-based): chr7:94,411,126, C>G. VCF-style: chr7-94411126-C-G. GRCh37 (hg19) VCF-style: chr7-94040438-C-G.
Other names: short protein forms P441R.
Identifiers: ClinVar variation 3762501 (VCV003762501.2).